The following is an entry in ClinVar:

NM_000051.4(ATM):c.4435A>G (p.Arg1479Gly)

Gene: ATM (ATM serine/threonine kinase; plus strand). Cytogenetic location: 11q22.3.
Variant type: single nucleotide variant.
Coding change: c.4435A>G on transcript NM_000051.4 (MANE Select); coding-DNA position 4435, A replaced by G.
Protein change: p.Arg1479Gly; replaces arginine 1479 with glycine.
Molecular consequence: missense variant.
Genome position (GRCh38, 1-based): chr11:108,289,800, A>G. VCF-style: chr11-108289800-A-G. GRCh37 (hg19) VCF-style: chr11-108160527-A-G.
Other names: c.4435A>G, p.Arg1479Gly (NM_001351834.2); short protein forms R1479G.
Identifiers: ClinVar variation 1013793 (VCV001013793.8), dbSNP rs2082686702, ClinGen allele CA382532293.

ClinVar aggregate classification (germline): Uncertain significance (1 of 4 stars; one submission).

Conditions:
Ataxia-telangiectasia syndrome (AT). Also called: Cerebello-oculocutaneous telangiectasia; Immunodeficiency with ataxia telangiectasia; ATAXIA-TELANGIECTASIA, COMPLEMENTATION GROUP A; ATAXIA-TELANGIECTASIA, FRESNO VARIANT; LOUIS-BAR SYNDROME; Ataxia-telangiectasia, complementation group E. Identifiers: Orphanet 100, MedGen C0004135, MONDO:0008840, OMIM 208900.

Submission:

Labcorp Genetics (formerly Invitae), Labcorp
Classification: Uncertain significance for Ataxia-telangiectasia syndrome. Last evaluated: 2020-03-07. Review status: criteria provided, single submitter. Criteria: Invitae Variant Classification Sherloc (09022015). Collection method: clinical testing. Allele origin: germline.
Comment: Algorithms developed to predict the effect of sequence changes on RNA splicing suggest that this variant may disrupt the consensus splice site, but this prediction has not been confirmed by published transcriptional studies. In summary, the available evidence is currently insufficient to determine the role of this variant in disease. Therefore, it has been classified as a Variant of Uncertain Significance. Algorithms developed to predict the effect of missense changes on protein structure and function (SIFT, PolyPhen-2, Align-GVGD) all suggest that this variant is likely to be tolerated, but these predictions have not been confirmed by published functional studies and their clinical significance is uncertain. This variant has not been reported in the literature in individuals with ATM-related conditions. This variant is not present in population databases (ExAC no frequency). This sequence change replaces arginine with glycine at codon 1479 of the ATM protein (p.Arg1479Gly). The arginine residue is moderately conserved and there is a moderate physicochemical difference between arginine and glycine.